The following is an entry in ClinVar:

NM_177924.5(ASAH1):c.160C>T (p.Leu54Phe)

Gene: ASAH1 (N-acylsphingosine amidohydrolase 1; minus strand). Cytogenetic location: 8p22.
Variant type: single nucleotide variant.
Coding change: c.160C>T on transcript NM_177924.5 (MANE Select); coding-DNA position 160, C replaced by T.
Protein change: p.Leu54Phe; replaces leucine 54 with phenylalanine.
Molecular consequence: missense variant. On other transcripts: 5 prime UTR variant (1).
Genome position (GRCh38, 1-based): chr8:18,071,356, G>A on the plus strand (C>T on the coding strand, the complement: ASAH1 is on the minus strand). VCF-style: chr8-18071356-G-A. GRCh37 (hg19) VCF-style: chr8-17928865-G-A.
Other names: c.229C>T, p.Leu77Phe (NM_001127505.3); c.-36C>T (NM_001363743.2); c.208C>T, p.Leu70Phe (NM_004315.6); short protein forms L54F, L70F, L77F.
Identifiers: ClinVar variation 2014451 (VCV002014451.4), dbSNP rs2537962766, ClinGen allele CA370434005.
Genomic context (GRCh38, chr8:18,071,356, plus strand): 5'-ATACCACTGGTGCCTTGTCAAGCATCAATTCATGCCATCTTTTGTAGGGTGGTAAGTCAA[G>A]ATTTATGGTGTACCATGGAACTGCACCTCTGTACCTGTAATGAGAGGTGTATCATCTTGA-3'
Protein context (NP_808592.2, residues 44-64): RGAVPWYTIN[Leu54Phe]DLPPYKRWHE

ClinVar aggregate classification (germline): Uncertain significance (1 of 4 stars; one submission).

Submission:

Labcorp Genetics (formerly Invitae), Labcorp
Classification: Uncertain significance. Last evaluated: 2022-05-26. Review status: criteria provided, single submitter. Criteria: Invitae Variant Classification Sherloc (09022015). Collection method: clinical testing. Allele origin: germline.
Comment: In summary, the available evidence is currently insufficient to determine the role of this variant in disease. Therefore, it has been classified as a Variant of Uncertain Significance. Algorithms developed to predict the effect of missense changes on protein structure and function are either unavailable or do not agree on the potential impact of this missense change (SIFT: "Deleterious"; PolyPhen-2: "Probably Damaging"; Align-GVGD: "Class C15"). This variant has not been reported in the literature in individuals affected with ASAH1-related conditions. This variant is not present in population databases (gnomAD no frequency). This sequence change replaces leucine, which is neutral and non-polar, with phenylalanine, which is neutral and non-polar, at codon 54 of the ASAH1 protein (p.Leu54Phe).